The following is an entry in ClinVar:

NM_002929.3(GRK1):c.655A>C (p.Lys219Gln)

Gene: GRK1 (G protein-coupled receptor kinase 1; plus strand). Cytogenetic location: 13q34.
Variant type: single nucleotide variant.
Coding change: c.655A>C on transcript NM_002929.3 (MANE Select); coding-DNA position 655, A replaced by C.
Protein change: p.Lys219Gln; replaces lysine 219 with glutamine.
Molecular consequence: missense variant.
Genome position (GRCh38, 1-based): chr13:113,668,041, A>C. VCF-style: chr13-113668041-A-C. GRCh37 (hg19) VCF-style: chr13-114322356-A-C.
Other names: short protein forms K219Q.
Identifiers: ClinVar variation 2582915 (VCV002582915.25), dbSNP rs777585358, ClinGen allele CA7066124.
Genomic context (GRCh38, chr13:113,668,041, plus strand): 5'-GGGGGCTTCGGGGAGGTGTCGGCCTGCCAGATGAAGGCGACCGGCAAGCTGTATGCCTGC[A>C]AGAAGCTGAACAAGAAGCGGCTGAAGAAGAGGAAGGGCTACCAGGTGAGCAGCGCGACCC-3'
Protein context (NP_002920.1, residues 209-229): MKATGKLYAC[Lys219Gln]KLNKKRLKKR

ClinVar aggregate classification (germline): Uncertain significance (1 of 4 stars; one submission).

Allele frequency attached by ClinVar (database versions not stated): TOPMed below 0.00001; ExAC 0.00001; gnomAD 0.00001; gnomAD exomes 0.00001.
gnomAD v4.1: 9 of 1,611,234 alleles (0.00056%); highest among the groups gnomAD compares: Non-Finnish European, 0.00076%; no homozygotes.

Submission:

CeGaT Center for Human Genetics Tuebingen
Classification: Uncertain significance. Last evaluated: 2023-09-01. Review status: criteria provided, single submitter. Criteria: CeGaT Center For Human Genetics Tuebingen Variant Classification Criteria Version 2. Collection method: clinical testing. Allele origin: germline. Affected: yes. Observed: 1 variant allele.
Comment: GRK1: PM2, PM3:Supporting